The following is an entry in ClinVar:

NM_005422.4(TECTA):c.2268G>T (p.Lys756Asn)

Genes: TBCEL-TECTA (TBCEL-TECTA readthrough; plus strand), TECTA (tectorin alpha; plus strand). Cytogenetic location: 11q23.3.
Variant type: single nucleotide variant.
Coding change: c.2268G>T on transcript NM_005422.4 (MANE Select); coding-DNA position 2268, G replaced by T.
Protein change: p.Lys756Asn; replaces lysine 756 with asparagine.
Molecular consequence: missense variant.
Genome position (GRCh38, 1-based): chr11:121,128,245, G>T. VCF-style: chr11-121128245-G-T. GRCh37 (hg19) VCF-style: chr11-120998954-G-T.
Other names: c.3225G>T, p.Lys1075Asn (NM_001378761.1); short protein forms K756N, K1075N.
Identifiers: ClinVar variation 2126140 (VCV002126140.4), dbSNP rs200686885, ClinGen allele CA229814484.
Genomic context (GRCh38, chr11:121,128,245, plus strand): 5'-CTACACCCTCCTGAAGACCTGCCCTGAGCGCCCAGAGTACTTGGAAATCGACATCAACAA[G>T]AAGAAGCCCGATGCAGGACCTGCTTGGCTGCGGGGACTTCGGATCCTGGTGGCCGACCAG-3'
Protein context (NP_005413.2, residues 746-766): RPEYLEIDIN[Lys756Asn]KKPDAGPAWL

ClinVar aggregate classification (germline): Uncertain significance (1 of 4 stars; one submission).

Allele frequency attached by ClinVar (database versions not stated): gnomAD exomes below 0.00001; TOPMed below 0.00001.
gnomAD v4.1: 1 of 1,600,512 alleles (0.000062%); highest among the groups gnomAD compares: Non-Finnish European, 0.000085%; no homozygotes.

Submission:

Labcorp Genetics (formerly Invitae), Labcorp
Classification: Uncertain significance. Last evaluated: 2022-04-14. Review status: criteria provided, single submitter. Criteria: Invitae Variant Classification Sherloc (09022015). Collection method: clinical testing. Allele origin: germline.
Comment: In summary, the available evidence is currently insufficient to determine the role of this variant in disease. Therefore, it has been classified as a Variant of Uncertain Significance. Algorithms developed to predict the effect of missense changes on protein structure and function are either unavailable or do not agree on the potential impact of this missense change (SIFT: "Deleterious"; PolyPhen-2: "Benign"; Align-GVGD: "Class C0"). This variant has not been reported in the literature in individuals affected with TECTA-related conditions. This variant is not present in population databases (gnomAD no frequency). This sequence change replaces lysine, which is basic and polar, with asparagine, which is neutral and polar, at codon 756 of the TECTA protein (p.Lys756Asn).